The following is an entry in ClinVar:

NM_001127222.2(CACNA1A):c.1931G>A (p.Gly644Glu)

Gene: CACNA1A (calcium voltage-gated channel subunit alpha1 A; minus strand). Cytogenetic location: 19p13.13.
Variant type: single nucleotide variant.
Coding change: c.1931G>A on transcript NM_001127222.2 (MANE Select); coding-DNA position 1931, G replaced by A.
Protein change: p.Gly644Glu; replaces glycine 644 with glutamic acid.
Molecular consequence: missense variant.
Genome position (GRCh38, 1-based): chr19:13,307,837, C>T on the plus strand (G>A on the coding strand, the complement: CACNA1A is on the minus strand). VCF-style: chr19-13307837-C-T. GRCh37 (hg19) VCF-style: chr19-13418651-C-T.
Other names: c.1934G>A, p.Gly645Glu (NM_000068.4, NM_001127221.2, NM_001174080.2 and 1 more transcripts); short protein forms G644E, G645E.
Identifiers: ClinVar variation 2684111 (VCV002684111.1), dbSNP rs2512946225, ClinGen allele CA404344653.
Genomic context (GRCh38, chr19:13,307,837, plus strand): 5'-TGTACCTGAAACACCGTCATTATTGCTGCTGGAAAAGTATCGAAGTTGGTGGGAGGAGTC[C>T]CTTCATCGAAATTAAACCTGCAGGGAGGACACAGACATTTCACGTTGGCCCCACCCGGGG-3'
Protein context (NP_001120694.1, residues 634-654): LFGGQFNFDE[Gly644Glu]TPPTNFDTFP

ClinVar aggregate classification (germline): Uncertain significance (1 of 4 stars; one submission).

Submission:

Athena Diagnostics
Classification: Uncertain significance. Last evaluated: 2023-06-27. Review status: criteria provided, single submitter. Criteria: Athena Diagnostics Criteria. Collection method: clinical testing. Allele origin: unknown.
Comment: Available data are insufficient to determine the clinical significance of the variant at this time. This variant has not been reported in large, multi-ethnic general populations. Computational tools predict that this variant is damaging.